The following is an entry in ClinVar:

ClinVar aggregate classification (germline): Pathogenic (1 of 4 stars; one submission).

Submission:

Labcorp Genetics (formerly Invitae), Labcorp
Classification: Pathogenic. Last evaluated: 2022-06-26. Review status: criteria provided, single submitter. Criteria: Invitae Variant Classification Sherloc (09022015). Collection method: clinical testing. Allele origin: germline.
Comment: This sequence change creates a premature translational stop signal (p.Gly528Valfs*9) in the ASNS gene. While this is not anticipated to result in nonsense mediated decay, it is expected to disrupt the last 34 amino acid(s) of the ASNS protein. This variant is not present in population databases (gnomAD no frequency). This variant has not been reported in the literature in individuals affected with ASNS-related conditions. This variant disrupts a region of the ASNS protein in which other variant(s) (p.Arg550Cys) have been determined to be pathogenic (PMID: 24139043, 27522229). This suggests that this is a clinically significant region of the protein, and that variants that disrupt it are likely to be disease-causing. For these reasons, this variant has been classified as Pathogenic.

Literature cited by the submitters: PubMed 24139043; PubMed 27522229.

NM_001673.5(ASNS):c.1575_1582dup (p.Gly528fs)

Genes: CZ1P-ASNS (CZ1P-ASNS readthrough; minus strand), ASNS (asparagine synthetase (glutamine-hydrolyzing); minus strand). Cytogenetic location: 7q21.3.
Variant type: Duplication.
Coding change: c.1575_1582dup on transcript NM_001673.5 (MANE Select); coding-DNA positions 1575 to 1582, 8 bases duplicated (TTACCCAG; older notation c.1575_1582dupTTACCCAG).
Protein change: p.Gly528fs; shifts the reading frame from glycine 528.
Molecular consequence: frameshift variant. On other transcripts: non-coding transcript variant (1).
Genome position (GRCh38, 1-based): chr7:97,852,363-97,852,370, CTGGGTAA duplicated on the plus strand (TTACCCAG on the coding strand, the reverse complement: ASNS is on the minus strand). VCF-style (leftmost placement, unchanged base first): chr7-97852362-C-CCTGGGTAA. GRCh37 (hg19) VCF-style: chr7-97481674-C-CCTGGGTAA.
Other names: c.1512_1519dup, p.Gly507fs (NM_001178075.2); c.1326_1333dup, p.Gly445fs (NM_001178076.2, NM_001178077.1); c.1575_1582dup, p.Gly528fs (NM_001352496.2, NM_133436.3, NM_183356.4); short protein forms G507fs, G528fs, G445fs.
Identifiers: ClinVar variation 2010923 (VCV002010923.4), dbSNP rs2484623271, ClinGen allele CA2580077923.